The following is an entry in ClinVar:

NM_152492.3(CCDC27):c.1746C>T (p.Leu582=)

Gene: CCDC27 (coiled-coil domain containing 27; plus strand). Cytogenetic location: 1p36.32.
Variant type: single nucleotide variant.
Coding change: c.1746C>T on transcript NM_152492.3 (MANE Select); coding-DNA position 1746, C replaced by T.
Protein change: p.Leu582=; no amino-acid change (leucine 582 retained).
Molecular consequence: synonymous variant.
Genome position (GRCh38, 1-based): chr1:3,769,785, C>T. VCF-style: chr1-3769785-C-T. GRCh37 (hg19) VCF-style: chr1-3686349-C-T.
Identifiers: ClinVar variation 2638107 (VCV002638107.24), dbSNP rs764504424, ClinGen allele CA550519.

ClinVar aggregate classification (germline): Likely benign (1 of 4 stars; one submission).

gnomAD v4.1: 17 of 1,612,962 alleles (0.0011%); highest among the groups gnomAD compares: Admixed American, 0.018%; no homozygotes.

Submission:

CeGaT Center for Human Genetics Tuebingen
Classification: Likely benign. Last evaluated: 2023-04-01. Review status: criteria provided, single submitter. Criteria: CeGaT Center For Human Genetics Tuebingen Variant Classification Criteria Version 2. Collection method: clinical testing. Allele origin: germline. Affected: yes. Observed: 1 variant allele.
Comment: CCDC27: BP4, BP7